The following is an entry in ClinVar:

ClinVar aggregate classification (germline): Uncertain significance (1 of 4 stars; one submission).

Conditions:
Leber congenital amaurosis 12 (LCA12). Identifiers: Orphanet 65, MedGen C1857743, MONDO:0012525, OMIM 610612.

Submission:

Labcorp Genetics (formerly Invitae), Labcorp
Classification: Uncertain significance for Leber congenital amaurosis 12. Last evaluated: 2022-11-15. Review status: criteria provided, single submitter. Criteria: Invitae Variant Classification Sherloc (09022015). Collection method: clinical testing. Allele origin: germline.
Comment: This variant has not been reported in the literature in individuals affected with RD3-related conditions. This variant is not present in population databases (gnomAD no frequency). This sequence change affects the initiator methionine of the RD3 mRNA. The next in-frame methionine is located at codon 24. Experimental studies and prediction algorithms are not available or were not evaluated, and the functional significance of this variant is currently unknown. In summary, the available evidence is currently insufficient to determine the role of this variant in disease. Therefore, it has been classified as a Variant of Uncertain Significance.

NM_001164688.2(RD3):c.1A>G (p.Met1Val)

Gene: RD3 (RD3 regulator of GUCY2D; minus strand). Cytogenetic location: 1q32.3.
Variant type: single nucleotide variant.
Coding change: c.1A>G on transcript NM_001164688.2 (MANE Select); coding-DNA position 1, A replaced by G.
Protein change: p.Met1Val; changes the start codon (methionine 1).
Molecular consequence: missense variant, initiator codon variant.
Genome position (GRCh38, 1-based): chr1:211,481,415, T>C on the plus strand (A>G on the coding strand, the complement: RD3 is on the minus strand). VCF-style: chr1-211481415-T-C. GRCh37 (hg19) VCF-style: chr1-211654757-T-C.
Other names: c.1A>G, p.Met1Val (NM_183059.3); short protein forms M1V.
Identifiers: ClinVar variation 2102584 (VCV002102584.5), dbSNP rs2102368109, ClinGen allele CA344879757.
Genomic context (GRCh38, chr1:211,481,415, plus strand): 5'-GGCTCCTGGTGGACAGCCGGGATGGGGCCTCGTTCCACCGAAGCCATGAGATGAGAGACA[T>C]AGCCCCTGGCCCTGCTGAGACAGGACAGATGTGCATCTTTCCTGGGCCCCTCTGTTAGTC-3'
Protein context (NP_001158160.1, residues 1-11): [Met1Val]SLISWLRWNE